The following is an entry in ClinVar:

ClinVar aggregate classification (germline): Likely benign (1 of 4 stars; one submission).

gnomAD v4.1: 1,027 of 1,612,222 alleles (0.064%); highest among the groups gnomAD compares: African/African-American, 1.1%; 8 homozygotes.

Submission:

CeGaT Center for Human Genetics Tuebingen
Classification: Likely benign. Last evaluated: 2026-08-01. Review status: criteria provided, single submitter. Criteria: CeGaT Center For Human Genetics Tuebingen Variant Classification Criteria Version 2. Collection method: clinical testing. Allele origin: germline. Affected: yes. Observed: 1 variant allele.
Comment: FZR1: BP4, BP7, BS1

NM_016263.4(FZR1):c.99T>C (p.Pro33=)

Gene: FZR1 (fizzy and cell division cycle 20 related 1; plus strand). Cytogenetic location: 19p13.3.
Variant type: single nucleotide variant.
Coding change: c.99T>C on transcript NM_016263.4 (MANE Select); coding-DNA position 99, T replaced by C.
Protein change: p.Pro33=; no amino-acid change (proline 33 retained).
Molecular consequence: synonymous variant.
Genome position (GRCh38, 1-based): chr19:3,525,897, T>C. VCF-style: chr19-3525897-T-C. GRCh37 (hg19) VCF-style: chr19-3525895-T-C.
Other names: c.99T>C, p.Pro33= (NM_001136197.1, NM_001136198.1).
Identifiers: ClinVar variation 5038800 (VCV005038800.1).